The following is an entry in ClinVar:

NM_000046.5(ARSB):c.376G>T (p.Glu126Ter)

Gene: ARSB (arylsulfatase B; minus strand). Cytogenetic location: 5q14.1.
Variant type: single nucleotide variant.
Coding change: c.376G>T on transcript NM_000046.5 (MANE Select); coding-DNA position 376, G replaced by T.
Protein change: p.Glu126Ter; replaces glutamic acid 126 with a stop codon.
Molecular consequence: nonsense.
Genome position (GRCh38, 1-based): chr5:78,969,129, C>A on the plus strand (G>T on the coding strand, the complement: ARSB is on the minus strand). VCF-style: chr5-78969129-C-A. GRCh37 (hg19) VCF-style: chr5-78264952-C-A.
Other names: c.376G>T, p.Glu126Ter (NM_198709.3); short protein forms E126*.
Identifiers: ClinVar variation 2013910 (VCV002013910.4), dbSNP rs2530607373, ClinGen allele CA360194308.

ClinVar aggregate classification (germline): Pathogenic (1 of 4 stars; one submission).

Conditions:
Mucopolysaccharidosis type 6 (MPS6). Also called: ARSB DEFICIENCY; ARYLSULFATASE B DEFICIENCY; MPS 6; Maroteaux Lamy syndrome; MPS VI; N-ACETYLGALACTOSAMINE-4-SULFATASE DEFICIENCY. Identifiers: Orphanet 583, MedGen C0026709, MONDO:0009661, OMIM 253200.

Submission:

Labcorp Genetics (formerly Invitae), Labcorp
Classification: Pathogenic for Mucopolysaccharidosis type 6. Last evaluated: 2022-07-04. Review status: criteria provided, single submitter. Criteria: Invitae Variant Classification Sherloc (09022015). Collection method: clinical testing. Allele origin: germline.
Comment: For these reasons, this variant has been classified as Pathogenic. This premature translational stop signal has been observed in individual(s) with mucopolysaccharidosis type VI (PMID: 22133300). This variant is not present in population databases (gnomAD no frequency). This sequence change creates a premature translational stop signal (p.Glu126*) in the ARSB gene. It is expected to result in an absent or disrupted protein product. Loss-of-function variants in ARSB are known to be pathogenic (PMID: 17458871, 22133300).

Literature cited by the submitters: PubMed 22133300; PubMed 17458871.